The following is an entry in ClinVar:

ClinVar aggregate classification (germline): Likely benign. Review status: criteria provided, multiple submitters, no conflicts (2 of 4 stars). 2 submissions from 2 submitters: Likely benign (2). Last evaluated 2025-03-18.

gnomAD v4.1: 33 of 1,613,964 alleles (0.002%); highest among the groups gnomAD compares: Non-Finnish European, 0.0025%; no homozygotes.

Submissions (2):

Labcorp Genetics (formerly Invitae), Labcorp
Classification: Likely benign. Last evaluated: 2025-03-18. Review status: criteria provided, single submitter. Criteria: Invitae Variant Classification Sherloc (09022015). Collection method: clinical testing. Allele origin: germline.

CeGaT Center for Human Genetics Tuebingen
Classification: Likely benign. Last evaluated: 2024-08-01. Review status: criteria provided, single submitter. Criteria: CeGaT Center For Human Genetics Tuebingen Variant Classification Criteria Version 2. Collection method: clinical testing. Allele origin: germline. Affected: yes. Observed: 1 variant allele.
Comment: FAT2: BP4, BP7

NM_001447.3(FAT2):c.6204C>G (p.Pro2068=)

Genes: FAT2 (FAT atypical cadherin 2; minus strand), SLC36A1 (solute carrier family 36 member 1; plus strand). Cytogenetic location: 5q33.1.
Variant type: single nucleotide variant.
Coding change: c.6204C>G on transcript NM_001447.3 (MANE Select); coding-DNA position 6204, C replaced by G.
Protein change: p.Pro2068=; no amino-acid change (proline 2068 retained).
Molecular consequence: synonymous variant.
Genome position (GRCh38, 1-based): chr5:151,544,923, G>C on the plus strand (C>G on the coding strand, the complement: FAT2 is on the minus strand). VCF-style: chr5-151544923-G-C. GRCh37 (hg19) VCF-style: chr5-150924484-G-C.
Identifiers: ClinVar variation 3341760 (VCV003341760.18).